The following is an entry in ClinVar:

NM_001079866.2(BCS1L):c.1195T>G (p.Tyr399Asp)

Gene: BCS1L (BCS1 homolog, ubiquinol-cytochrome c reductase complex chaperone; plus strand). Cytogenetic location: 2q35.
Variant type: single nucleotide variant.
Coding change: c.1195T>G on transcript NM_001079866.2 (MANE Select); coding-DNA position 1195, T replaced by G.
Protein change: p.Tyr399Asp; replaces tyrosine 399 with aspartic acid.
Molecular consequence: missense variant. On other transcripts: non-coding transcript variant (1).
Genome position (GRCh38, 1-based): chr2:218,663,321, T>G. VCF-style: chr2-218663321-T-G. GRCh37 (hg19) VCF-style: chr2-219528044-T-G.
Other names: c.1195T>G, p.Tyr399Asp (NM_001257342.2, NM_001257343.2, NM_001257344.2 and 10 more transcripts); c.835T>G, p.Tyr279Asp (NM_001318836.2, NM_001371451.1); c.694T>G, p.Tyr232Asp (NM_001371452.1, NM_001371453.1, NM_001371454.1 and 3 more transcripts); short protein forms Y399D, Y232D, Y279D.
Identifiers: ClinVar variation 2176753 (VCV002176753.1), dbSNP rs773378693, ClinGen allele CA2109855.
Genomic context (GRCh38, chr2:218,663,321, plus strand): 5'-AACTTTGCAGAACATGTCCTTCGAGCTACAAACCAGATCAGTCCTGCCCAGGTGCAGGGC[T>G]ACTTCATGCTGTATAAAAATGACCCTGTAGGGGCAATTCACAATGCTGAGTCTCTGAGGA-3'
Protein context (NP_001073335.1, residues 389-409): NQISPAQVQG[Tyr399Asp]FMLYKNDPVG

ClinVar aggregate classification (germline): Uncertain significance (1 of 4 stars; one submission).

Allele frequency attached by ClinVar (database versions not stated): ExAC 0.00001; gnomAD exomes 0.00001.

Submission:

Labcorp Genetics (formerly Invitae), Labcorp
Classification: Uncertain significance. Last evaluated: 2022-06-11. Review status: criteria provided, single submitter. Criteria: Invitae Variant Classification Sherloc (09022015). Collection method: clinical testing. Allele origin: germline.
Comment: This sequence change replaces tyrosine, which is neutral and polar, with aspartic acid, which is acidic and polar, at codon 399 of the BCS1L protein (p.Tyr399Asp). This variant is present in population databases (rs773378693, gnomAD 0.02%). This variant has not been reported in the literature in individuals affected with BCS1L-related conditions. Advanced modeling of protein sequence and biophysical properties (such as structural, functional, and spatial information, amino acid conservation, physicochemical variation, residue mobility, and thermodynamic stability) performed at Invitae indicates that this missense variant is expected to disrupt BCS1L protein function. In summary, the available evidence is currently insufficient to determine the role of this variant in disease. Therefore, it has been classified as a Variant of Uncertain Significance.